The following is an entry in ClinVar:

ClinVar aggregate classification (germline): Pathogenic. Review status: criteria provided, multiple submitters, no conflicts (2 of 4 stars). 13 submissions from 12 submitters: Pathogenic (10). 3 of the submissions do not count toward it. Last evaluated 2025-11-16.

Conditions:
Cholesteryl ester storage disease (CESD). Also called: Childhood/Adult-Onset LAL-D (Cholesterol Ester Storage Disease [CESD]). Identifiers: Orphanet 75234, MedGen C0008384, MONDO:0019149, OMIM 278000.
LIPA-related disorder. Also called: LIPA-related condition; LIPA-related disorders.
Wolman disease (WOLD). Also called: LYSOSOMAL ACID LIPASE DEFICIENCY, ACUTE INFANTILE; LYSOSOMAL ACID LIPASE DEFICIENCY, COMPLETE; LIPA DEFICIENCY, COMPLETE; LAL DEFICIENCY, COMPLETE; CHOLESTEROL ESTER HYDROLASE DEFICIENCY, COMPLETE; Wolman disease, CESD. Identifiers: Orphanet 75233, MedGen C0043208, MONDO:0019148, OMIM 620151.
Lysosomal acid lipase deficiency. Also called: Acid cholesteryl ester hydrolase deficiency, type 2. Identifiers: Orphanet 275761, MedGen C5574740, MONDO:0800449, MONDO:0010204.

Allele frequency attached by ClinVar (database versions not stated): gnomAD exomes 0.00001; ExAC 0.00001.

Submissions (13):

Labcorp Genetics (formerly Invitae), Labcorp
Classification: Pathogenic for Wolman disease. Last evaluated: 2025-11-16. Review status: criteria provided, single submitter. Criteria: Invitae Variant Classification Sherloc (09022015). Collection method: clinical testing. Allele origin: germline.
Comment: This sequence change replaces glycine, which is neutral and non-polar, with valine, which is neutral and non-polar, at codon 87 of the LIPA protein (p.Gly87Val). This variant is present in population databases (rs587778878, gnomAD 0.003%). This missense change has been observed in individuals with cholesteryl ester storage disease (CESD) or Wolman disease (PMID: 2129132, 8894696, 11441129, 23424026, 28374935). ClinVar contains an entry for this variant (Variation ID: 88770). Invitae Evidence Modeling of protein sequence and biophysical properties (such as structural, functional, and spatial information, amino acid conservation, physicochemical variation, residue mobility, and thermodynamic stability) indicates that this missense variant is expected to disrupt LIPA protein function with a positive predictive value of 95%. Experimental studies have shown that this missense change affects LIPA function (PMID: 9684740, 11441129). For these reasons, this variant has been classified as Pathogenic.

Natera, Inc.
Classification: Pathogenic for Lysosomal acid lipase deficiency. Last evaluated: 2025-10-10. Review status: criteria provided, single submitter. Criteria: Natera Variant Classification Schema (03/2026). Collection method: clinical testing. Allele origin: germline.
Comment: The c.260G>T variant in LIPA is a missense variant predicted to cause substitution of glycine to valine at amino acid 87. This variant is rare in the general population with a frequency below the threshold expected for the associated phenotype(s). This variant has been observed in one or more individuals affected with the associated recessive disease, as either homozygous or compound heterozygous with a second variant (PMID: 28881270). Functional studies show that this variant may disrupt protein function (PMID: 29196158). Computational prediction algorithms indicate this variant is likely to affect gene or protein function. Given the available evidence, this variant is classified as Pathogenic.

3billion
Classification: Pathogenic for Cholesteryl ester storage disease. Last evaluated: 2025-02-13. Review status: criteria provided, single submitter. Criteria: ACMG Guidelines, 2015. Collection method: clinical testing. Allele origin: germline. Affected: yes.
Comment: The variant is observed at an extremely low frequency in the gnomAD v4.1.0 dataset (total allele frequency: <0.001%). Predicted Consequence/Location: Missense variant Functional studies provide strong evidence of the variant having a damaging effect on the gene or gene product (PMID: 31131398). In silico tool predictions suggest damaging effect of the variant on gene or gene product [REVEL: 0.90 (>=0.6, sensitivity 0.68 and specificity 0.92); 3Cnet: 0.99 (>=0.6, sensitivity 0.72 and precision 0.9)]. The same nucleotide change resulting in the same amino acid change has been previously reported as pathogenic/likely pathogenic with strong evidence (ClinVar ID: VCV000088770 /PMID: 8894696 /3billion dataset). The variant has been reported to be in trans with a pathogenic variant as either compound heterozygous or homozygous in at least 2 similarly affected unrelated individuals (PMID: 16278825, 18492689, 20823128, 21248318, 33857477). Therefore, this variant is classified as Pathogenic according to the recommendation of ACMG/AMP guideline.

Blueprint Genetics
Classification: Pathogenic for LIPA-related disorders. Last evaluated: 2024-10-16. Review status: criteria provided, single submitter. Criteria: ACMG Guidelines, 2015. Collection method: clinical testing. Allele origin: germline. Affected: yes. Observed: 3 variant alleles.

Genomic Medicine Center of Excellence, King Faisal Specialist Hospital and Research Centre
Classification: Pathogenic for Cholesteryl ester storage disease. Last evaluated: 2024-03-17. Review status: criteria provided, single submitter. Criteria: ACMG Guidelines, 2015. Collection method: research. Allele origin: germline.

Laboratory of Medical Genetics, National & Kapodistrian University of Athens
Classification: Pathogenic for Cholesteryl ester storage disease. Last evaluated: 2024-02-01. Review status: criteria provided, single submitter. Criteria: ACMG Guidelines, 2015. Collection method: curation. Allele origin: germline. Affected: no.

Fulgent Genetics
Classification: Pathogenic for Cholesteryl ester storage disease; Wolman disease. Last evaluated: 2024-01-03. Review status: criteria provided, single submitter. Criteria: ACMG Guidelines, 2015. Collection method: clinical testing. Allele origin: germline.

Genomic Medicine Center of Excellence, King Faisal Specialist Hospital and Research Centre
Classification: Pathogenic for Cholesteryl ester storage disease. Last evaluated: 2023-05-08. Review status: criteria provided, single submitter. Criteria: ACMG Guidelines, 2015. Collection method: research. Allele origin: germline. Affected: yes.

GeneDx
Classification: Pathogenic. Last evaluated: 2022-05-18. Review status: criteria provided, single submitter. Criteria: GeneDx Variant Classification Process June 2021. Collection method: clinical testing. Allele origin: germline. Affected: yes.
Comment: Published functional studies demonstrate a damaging effect due to significantly reduced enzyme activity compared to wildtype (Pagani et al., 1998; Zschenker et al., 2001; Vinje et al., 2018; Vinje et al., 2019); Not observed at significant frequency in large population cohorts (gnomAD); In silico analysis supports that this missense variant has a deleterious effect on protein structure/function; This variant is associated with the following publications: (PMID: 26225414, 23424026, 11441129, 28374935, 31589614, 8894696, 31131398, 22138108, 30684275, 9684740, 33857477, 29196158, 21291321)

Clinical Genetics and Genomics, Karolinska University Hospital
Classification: Pathogenic. Last evaluated: 2015-05-19. Review status: criteria provided, single submitter. Criteria: ACMG Guidelines, 2015. Collection method: clinical testing. Allele origin: germline. Affected: yes. Observed: 5 variant alleles.

Counsyl
Classification: Likely pathogenic for Cholesteryl ester storage disease. Last evaluated: 2018-01-19. Review status: no assertion criteria provided. Collection method: clinical testing. Allele origin: unknown. Not counted in ClinVar's aggregate classification.

FirmaLab
Classification: Pathogenic for Wolman disease. Review status: no assertion criteria provided. Collection method: clinical testing. Allele origin: germline. Not counted in ClinVar's aggregate classification.

GeneReviews
No classification provided. Condition: Lysosomal acid lipase deficiency. Review status: no classification provided. Collection method: literature only. Allele origin: germline. Affected: yes. Not counted in ClinVar's aggregate classification.

Literature cited by the submitters: PubMed 2129132 (cited by Labcorp Genetics (formerly Invitae), Labcorp); PubMed 8894696 (cited by 4 submitters); PubMed 11441129 (cited by Labcorp Genetics (formerly Invitae), Labcorp and Counsyl); PubMed 23424026 (cited by Labcorp Genetics (formerly Invitae), Labcorp); PubMed 28374935 (cited by Labcorp Genetics (formerly Invitae), Labcorp); PubMed 9684740 (cited by Labcorp Genetics (formerly Invitae), Labcorp and Counsyl); PubMed 28881270 (cited by Natera, Inc.); PubMed 29196158 (cited by Natera, Inc.); PubMed 20823128 (cited by 3billion); PubMed 18492689 (cited by 3billion); PubMed 16278825 (cited by 3billion); PubMed 33857477 (cited by 3billion); PubMed 31131398 (cited by 3billion); PubMed 21248318 (cited by 3billion); PubMed 23583223 (cited by Counsyl); PubMed 21291321 (cited by GeneReviews); NCBI Bookshelf NBK305870 (cited by GeneReviews).

NM_000235.4(LIPA):c.260G>T (p.Gly87Val)

Gene: LIPA (lipase A, lysosomal acid type; minus strand). Cytogenetic location: 10q23.31.
Variant type: single nucleotide variant.
Coding change: c.260G>T on transcript NM_000235.4 (MANE Select); coding-DNA position 260, G replaced by T.
Protein change: p.Gly87Val; replaces glycine 87 with valine.
Molecular consequence: missense variant. On other transcripts: 5 prime UTR variant (1).
Genome position (GRCh38, 1-based): chr10:89,228,368, C>A on the plus strand (G>T on the coding strand, the complement: LIPA is on the minus strand). VCF-style: chr10-89228368-C-A. GRCh37 (hg19) VCF-style: chr10-90988125-C-A.
Other names: c.260G>T, p.Gly87Val (NM_001127605.3); c.-89G>T (NM_001288979.2); short protein forms G87V.
Identifiers: ClinVar variation 88770 (VCV000088770.24), dbSNP rs587778878, ClinGen allele CA347038.